The following is an entry in ClinVar:

ClinVar aggregate classification (germline): Pathogenic. Review status: criteria provided, multiple submitters, no conflicts (2 of 4 stars). 6 submissions from 6 submitters: Pathogenic (4). 2 of the submissions do not count toward it. Last evaluated 2025-06-19.

Conditions:
KRT9-related disorder. Also called: KRT9-related condition.
Epidermolytic palmoplantar keratoderma, 1 (EPPK1). Also called: PALMOPLANTAR KERATODERMA, EPIDERMOLYTIC, WITH KNUCKLE PADS; TYLOSIS. Identifiers: Orphanet 2199, MedGen CN377798, MONDO:0007758, OMIM 144200.

Allele frequency attached by ClinVar (database versions not stated): gnomAD exomes below 0.00001.

Submissions (6):

Labcorp Genetics (formerly Invitae), Labcorp
Classification: Pathogenic. Last evaluated: 2025-06-19. Review status: criteria provided, single submitter. Criteria: Invitae Variant Classification Sherloc (09022015). Collection method: clinical testing. Allele origin: germline.
Comment: This sequence change replaces asparagine, which is neutral and polar, with serine, which is neutral and polar, at codon 161 of the KRT9 protein (p.Asn161Ser). This variant is not present in population databases (gnomAD no frequency). This missense change has been observed in individuals with epidermolytic palmoplantar keratoderma (PMID: 7523529, 30666268). It has also been observed to segregate with disease in related individuals. This variant is also known as p.Asn160Ser. ClinVar contains an entry for this variant (Variation ID: 3003). An algorithm developed to predict the effect of missense changes on protein structure and function outputs the following: PolyPhen-2: "Possibly Damaging". The serine amino acid residue is found in multiple mammalian species, which suggests that this missense change does not adversely affect protein function. For these reasons, this variant has been classified as Pathogenic.

GeneDx
Classification: Pathogenic. Last evaluated: 2022-05-05. Review status: criteria provided, single submitter. Criteria: GeneDx Variant Classification Process June 2021. Collection method: clinical testing. Allele origin: germline. Affected: yes.
Comment: Located within the helix initiation motif within the 1A region of the rod domain, which is a well-known mutation hotspot intolerant to change; Not observed at significant frequency in large population cohorts (gnomAD); In silico analysis supports that this missense variant has a deleterious effect on protein structure/function; This variant is associated with the following publications: (PMID: 7523529, 29444371, 30666268, 33914963, 24510562, 18573708)

Blueprint Genetics
Classification: Pathogenic for KRT9-related disorders. Last evaluated: 2019-05-17. Review status: criteria provided, single submitter. Criteria: ACMG Guidelines, 2015. Collection method: clinical testing. Allele origin: germline. Affected: yes. Observed: 2 variant alleles.

Juno Genomics, Hangzhou Juno Genomics, Inc
Classification: Pathogenic for Epidermolytic palmoplantar keratoderma, 1. Review status: criteria provided, single submitter. Criteria: ACMG Guidelines, 2015. Collection method: clinical testing. Allele origin: germline. Affected: yes.
Comment: Absent from controls (or at extremely low frequency if recessive) in Genome Aggregation Database, Exome Sequencing Project, 1000 Genomes Project, or Exome Aggregation Consortium.;Multiple lines of computational evidence support a deleterious effect on the gene or gene product (conservation, evolutionary, splicing impact, etc).;Located in a mutational hot spot and/or critical and well-established functional domain (e.g. active site of an enzyme) without benign variation.;The prevalence of the variant in affected individuals is significantly increased compared to the prevalence in controls.;Co-segregation with disease in multiple affected family members in a gene definitively known to cause the disease.;Patient's phenotype or family history is highly specific for a disease with a single genetic etiology.

OMIM
Classification: Pathogenic for PALMOPLANTAR KERATODERMA, EPIDERMOLYTIC, 1. Last evaluated: 2003-07-30. Review status: no assertion criteria provided. Collection method: literature only. Allele origin: germline. Not counted in ClinVar's aggregate classification.

Epithelial Biology;  Institute of Medical Biology, Singapore
No classification provided. Review status: no classification provided. Collection method: not provided. Allele origin: not provided. Not counted in ClinVar's aggregate classification.

Literature cited by the submitters: PubMed 7523529 (cited by Labcorp Genetics (formerly Invitae), Labcorp and OMIM); PubMed 30666268 (cited by Labcorp Genetics (formerly Invitae), Labcorp); PubMed 12838553 (cited by OMIM); PubMed 152116 (cited by OMIM).

NM_000226.4(KRT9):c.482A>G (p.Asn161Ser)

Gene: KRT9 (keratin 9; minus strand). Cytogenetic location: 17q21.2.
Variant type: single nucleotide variant.
Coding change: c.482A>G on transcript NM_000226.4 (MANE Select); coding-DNA position 482, A replaced by G.
Protein change: p.Asn161Ser; replaces asparagine 161 with serine.
Molecular consequence: missense variant.
Genome position (GRCh38, 1-based): chr17:41,571,511, T>C on the plus strand (A>G on the coding strand, the complement: KRT9 is on the minus strand). VCF-style: chr17-41571511-T-C. GRCh37 (hg19) VCF-style: chr17-39727763-T-C.
Other names: short protein forms N161S.
Identifiers: ClinVar variation 3003 (VCV000003003.14), dbSNP rs56707768, ClinGen allele CA115909.
Genomic context (GRCh38, chr17:41,571,511, plus strand): 5'-AGGTCGTTGTTGGCCTCCTCTAGAGCCTGCACCTTATCCAAGTAAGAGGCCAGCCGAGAA[T>C]TGAGTTCCTGCATGGTGCTCTTCTCATTAGCAGTCAGAATACCACCATCACCTCCTCCAG-3'
Protein context (NP_000217.2, residues 151-171): ANEKSTMQEL[Asn161Ser]SRLASYLDKV